The following is an entry in ClinVar:

NM_000088.3(COL1A1):c.3371del

Gene: COL1A1 (collagen type I alpha 1 chain; minus strand). Cytogenetic location: 17q21.33.
Variant type: Deletion.
Coding change: c.3371del on transcript NM_000088.3; coding-DNA position 3371, one base deleted (G; older notation c.3371delG).
Genome position (GRCh38, 1-based): chr17:50,187,536, C deleted on the plus strand (G on the coding strand, the reverse complement: COL1A1 is on the minus strand); the first of 3 consecutive C bases (chr17:50,187,536-50,187,538); deleting any one gives the same sequence. VCF-style (leftmost placement, unchanged base first): chr17-50187535-GC-G. GRCh37 (hg19) VCF-style: chr17-48264896-GC-G.
Identifiers: ClinVar variation 2574277 (VCV002574277.1), dbSNP rs2509170063, ClinGen allele CA2573332950.

ClinVar aggregate classification (germline): Pathogenic (1 of 4 stars; one submission).

Submission:

GeneDx
Classification: Pathogenic. Last evaluated: 2023-01-31. Review status: criteria provided, single submitter. Criteria: GeneDx Variant Classification Process June 2021. Collection method: clinical testing. Allele origin: germline. Affected: yes.
Comment: Frameshift variant predicted to result in protein truncation or nonsense mediated decay in a gene for which loss of function is a known mechanism of disease; Not observed at significant frequency in large population cohorts (gnomAD); This variant is associated with the following publications: (PMID: 22206639)